The following is an entry in ClinVar:

NM_016492.5(RANGRF):c.58A>T (p.Met20Leu)

Genes: RANGRF (RAN guanine nucleotide release factor; plus strand), SLC25A35 (solute carrier family 25 member 35; minus strand). Cytogenetic location: 17p13.1.
Variant type: single nucleotide variant.
Coding change: c.58A>T on transcript NM_016492.5 (MANE Select); coding-DNA position 58, A replaced by T.
Protein change: p.Met20Leu; replaces methionine 20 with leucine.
Molecular consequence: missense variant. On other transcripts: 3 prime UTR variant (1), non-coding transcript variant (1), intron variant (1).
Genome position (GRCh38, 1-based): chr17:8,288,846, A>T. VCF-style: chr17-8288846-A-T. GRCh37 (hg19) VCF-style: chr17-8192164-A-T.
Other names: c.58A>T, p.Met20Leu (NM_001177801.2, NM_001177802.2, NM_001330127.2); c.*770T>A (NM_201520.3); c.*43-414T>A (NM_001320871.2); short protein forms M20L.
Identifiers: ClinVar variation 664423 (VCV000664423.4), dbSNP rs1597439817, ClinGen allele CA397993842.

ClinVar aggregate classification (germline): Uncertain significance (1 of 4 stars; one submission).

Conditions:
Cardiac arrhythmia. Also called: Arrhythmia; Cardiac rhythm disease. Identifiers: MedGen C0003811, MONDO:0007263, HP:0011675.

Allele frequency attached by ClinVar (database versions not stated): TOPMed below 0.00001.

Submission:

Labcorp Genetics (formerly Invitae), Labcorp
Classification: Uncertain significance for Cardiac arrhythmia. Last evaluated: 2018-12-28. Review status: criteria provided, single submitter. Criteria: Invitae Variant Classification Sherloc (09022015). Collection method: clinical testing. Allele origin: germline.
Comment: This sequence change replaces methionine with leucine at codon 20 of the RANGRF protein (p.Met20Leu). The methionine residue is weakly conserved and there is a small physicochemical difference between methionine and leucine. This variant is not present in population databases (ExAC no frequency). This variant has not been reported in the literature in individuals with RANGRF-related conditions. Algorithms developed to predict the effect of missense changes on protein structure and function (SIFT, PolyPhen-2, Align-GVGD) all suggest that this variant is likely to be tolerated, but these predictions have not been confirmed by published functional studies and their clinical significance is uncertain. In summary, the available evidence is currently insufficient to determine the role of this variant in disease. Therefore, it has been classified as a Variant of Uncertain Significance.